The following is an entry in ClinVar:

ClinVar aggregate classification (germline): Conflicting classifications of pathogenicity. Review status: criteria provided, conflicting classifications (1 of 4 stars). 3 submissions from 3 submitters: Uncertain significance (1); Benign (1); Likely benign (1). Last evaluated 2026-04-08.

Conditions:
Tuberous sclerosis syndrome (TSC). Also called: Tuberous Sclerosis Complex; Tuberous sclerosis. Identifiers: Orphanet 805, MedGen C0041341, MONDO:0001734.
Hereditary cancer-predisposing syndrome. Also called: Hereditary neoplastic syndrome; Tumor predisposition; Neoplastic Syndromes, Hereditary; Hereditary Cancer Syndrome. Identifiers: Orphanet 140162, MedGen C0027672, MeSH D009386, MONDO:0015356.

Submissions (3):

Women's Health and Genetics/Laboratory Corporation of America, LabCorp
Classification: Benign. Last evaluated: 2026-04-08. Review status: criteria provided, single submitter. Criteria: LabCorp Variant Classification Summary - May 2015. Collection method: clinical testing. Allele origin: germline.
Comment: Variant summary: TSC2 c.5259+2_5259+28dup27 alters a nucleotide located close to a canonical splice site and therefore could affect mRNA splicing, leading to a significantly altered protein sequence. Consensus agreement among computation tools predict no significant impact on normal splicing. However, these predictions have yet to be confirmed by functional studies. The variant allele was found at a frequency of 6.4e-05 in 249542 control chromosomes, predominantly at a frequency of 0.00035 within the Latino subpopulation in the gnomAD database. The observed variant frequency within Latino control individuals in the gnomAD database exceeds the estimated maximal expected allele frequency for disease-causing variants in TSC2. To our knowledge, no occurrence of c.5259+2_5259+28dup27 in individuals affected with TSC2-related conditions and no experimental evidence demonstrating its impact on protein function have been reported. ClinVar contains an entry for this variant (Variation ID: 1746397). Based on the evidence outlined above, the variant was classified as benign.

Color Diagnostics, LLC DBA Color Health
Classification: Uncertain significance for Tuberous sclerosis syndrome. Last evaluated: 2024-01-30. Review status: criteria provided, single submitter. Criteria: ACMG Guidelines, 2015. Collection method: clinical testing. Allele origin: germline.
Comment: This variant is a duplication of the intron 41 donor region from the +2 to +28 positions of the TSC2 gene. The variant is predicted to create a new donor splice site. To our knowledge, RNA studies have not been reported for this variant. This variant has not been reported in individuals affected with TSC2-related disorders in the literature. This variant has been identified in 17/280932 chromosomes in the general population by the Genome Aggregation Database (gnomAD). The available evidence is insufficient to determine the role of this variant in disease conclusively. Therefore, this variant is classified as a Variant of Uncertain Significance.

Ambry Genetics
Classification: Likely benign for Hereditary cancer-predisposing syndrome. Last evaluated: 2021-10-19. Review status: criteria provided, single submitter. Criteria: Ambry Variant Classification Scheme 2023. Collection method: clinical testing. Allele origin: germline.

NM_000548.5(TSC2):c.5259+2_5259+28dup

Gene: TSC2 (TSC complex subunit 2; plus strand). Cytogenetic location: 16p13.3.
Variant type: Duplication.
Coding change: c.5259+2_5259+28dup on transcript NM_000548.5 (MANE Select); the canonical splice donor site of the intron after coding-DNA position 5259 through 28 bases into the intron after coding-DNA position 5259, 27 bases duplicated (TAGGGAATATGGGGCTCCCTCAGCGGG).
Molecular consequence: splice donor variant.
Genome position (GRCh38, 1-based): chr16:2,088,327-2,088,353, TAGGGAATATGGGGCTCCCTCAGCGGG duplicated; duplicating any 27 consecutive bases within chr16:2,088,320-2,088,353 gives the same sequence; the c. name uses the placement nearest the transcript's 3' end. VCF-style (leftmost placement, unchanged base first): chr16-2088319-C-CCAGCGGGTAGGGAATATGGGGCTCCCT. GRCh37 (hg19) VCF-style: chr16-2138320-C-CCAGCGGGTAGGGAATATGGGGCTCCCT.
Other names: c.5190+2_5190+28dup (NM_001114382.3); c.5130+2_5130+28dup (NM_021055.3); c.5118+2_5118+28dup (NM_001370405.1); c.5061+2_5061+28dup (NM_001363528.2); c.5127+2_5127+28dup (NM_001370404.1); c.5058+2_5058+28dup (NM_001077183.3); c.4950+2_4950+28dup (NM_001318827.2); c.4527+2_4527+28dup (NM_001318831.2); and 4 more.
Identifiers: ClinVar variation 1746397 (VCV001746397.4), dbSNP rs759520580, ClinGen allele CA7828399.